The following is an entry in ClinVar:

NM_000742.4(CHRNA2):c.970G>A (p.Val324Ile)

Gene: CHRNA2 (cholinergic receptor nicotinic alpha 2 subunit; minus strand). Cytogenetic location: 8p21.2.
Variant type: single nucleotide variant.
Coding change: c.970G>A on transcript NM_000742.4 (MANE Select); coding-DNA position 970, G replaced by A.
Protein change: p.Val324Ile; replaces valine 324 with isoleucine.
Molecular consequence: missense variant.
Genome position (GRCh38, 1-based): chr8:27,463,473, C>T on the plus strand (G>A on the coding strand, the complement: CHRNA2 is on the minus strand). VCF-style: chr8-27463473-C-T. GRCh37 (hg19) VCF-style: chr8-27320990-C-T.
Other names: c.925G>A, p.Val309Ile (NM_001282455.2); c.493G>A, p.Val165Ile (NM_001347705.2, NM_001347706.2); c.376G>A, p.Val126Ile (NM_001347707.2, NM_001347708.2); short protein forms V126I, V165I, V309I, V324I.
Identifiers: ClinVar variation 2442410 (VCV002442410.1), dbSNP rs2132652352, ClinGen allele CA370810049.

ClinVar aggregate classification (germline): Uncertain significance (1 of 4 stars; one submission).

Submission:

GeneDx
Classification: Uncertain significance. Last evaluated: 2022-08-29. Review status: criteria provided, single submitter. Criteria: GeneDx Variant Classification Process June 2021. Collection method: clinical testing. Allele origin: germline. Affected: yes.
Comment: Not observed at significant frequency in large population cohorts (gnomAD); In silico analysis supports that this missense variant does not alter protein structure/function; Has not been previously published as pathogenic or benign to our knowledge